The following is an entry in ClinVar:

NM_002906.4(RDX):c.1411C>T (p.Pro471Ser)

Gene: RDX (radixin; minus strand). Cytogenetic location: 11q22.3.
Variant type: single nucleotide variant.
Coding change: c.1411C>T on transcript NM_002906.4 (MANE Select); coding-DNA position 1411, C replaced by T.
Protein change: p.Pro471Ser; replaces proline 471 with serine.
Molecular consequence: missense variant. On other transcripts: intron variant (1).
Genome position (GRCh38, 1-based): chr11:110,233,413, G>A on the plus strand (C>T on the coding strand, the complement: RDX is on the minus strand). VCF-style: chr11-110233413-G-A. GRCh37 (hg19) VCF-style: chr11-110104138-G-A.
Other names: c.1411C>T, p.Pro471Ser (NM_001260492.2, NM_001260493.2); c.1003C>T, p.Pro335Ser (NM_001260494.2); c.370C>T, p.Pro124Ser (NM_001260495.2); c.405-1409C>T (NM_001260496.2); short protein forms P471S, P335S, P124S.
Identifiers: ClinVar variation 290799 (VCV000290799.8), dbSNP rs138560358, ClinGen allele CA6269983.

ClinVar aggregate classification (germline): Uncertain significance. Review status: criteria provided, multiple submitters, no conflicts (2 of 4 stars). 3 submissions from 3 submitters: Uncertain significance (3). Last evaluated 2024-05-02.

Allele frequency attached by ClinVar (database versions not stated): TOPMed 0.00006.
gnomAD v4.1: 55 of 1,613,938 alleles (0.0034%); highest among the groups gnomAD compares: Middle Eastern, 0.016%; no homozygotes.

Submissions (3):

Blueprint Genetics
Classification: Uncertain significance. Last evaluated: 2024-05-02. Review status: criteria provided, single submitter. Criteria: ACMG Guidelines, 2015. Collection method: clinical testing. Allele origin: germline.

Labcorp Genetics (formerly Invitae), Labcorp
Classification: Uncertain significance. Last evaluated: 2024-04-25. Review status: criteria provided, single submitter. Criteria: Invitae Variant Classification Sherloc (09022015). Collection method: clinical testing. Allele origin: germline.
Comment: This sequence change replaces proline, which is neutral and non-polar, with serine, which is neutral and polar, at codon 471 of the RDX protein (p.Pro471Ser). This variant is present in population databases (rs138560358, gnomAD 0.006%). This variant has not been reported in the literature in individuals affected with RDX-related conditions. ClinVar contains an entry for this variant (Variation ID: 290799). An algorithm developed to predict the effect of missense changes on protein structure and function (PolyPhen-2) suggests that this variant is likely to be tolerated. In summary, the available evidence is currently insufficient to determine the role of this variant in disease. Therefore, it has been classified as a Variant of Uncertain Significance.

Eurofins Ntd Llc (ga)
Classification: Uncertain significance. Last evaluated: 2016-09-07. Review status: criteria provided, single submitter. Criteria: EGL Classification Definitions 2015. Collection method: clinical testing. Allele origin: germline. Observed: 1 variant allele, 1 heterozygote.